The following is an entry in ClinVar:

NM_175634.3(RUNX1T1):c.1165T>C (p.Leu389=)

Gene: RUNX1T1 (RUNX1 partner transcriptional co-repressor 1; minus strand). Cytogenetic location: 8q21.3.
Variant type: single nucleotide variant.
Coding change: c.1165T>C on transcript NM_175634.3 (MANE Select); coding-DNA position 1165, T replaced by C.
Protein change: p.Leu389=; no amino-acid change (leucine 389 retained).
Molecular consequence: synonymous variant.
Genome position (GRCh38, 1-based): chr8:91,986,238, A>G on the plus strand (T>C on the coding strand, the complement: RUNX1T1 is on the minus strand). VCF-style: chr8-91986238-A-G. GRCh37 (hg19) VCF-style: chr8-92998466-A-G.
Other names: c.1084T>C, p.Leu362= (NM_001198625.2, NM_001198632.2, NM_004349.4); c.1165T>C, p.Leu389= (NM_001198626.2, NM_001198627.2, NM_001198628.2 and 3 more transcripts); c.1105T>C, p.Leu369= (NM_001198633.2); c.1198T>C, p.Leu400= (NM_001198634.2); c.1342T>C, p.Leu448= (NM_001198679.3); c.1249T>C, p.Leu417= (NM_001395209.1); c.1054T>C, p.Leu352= (NM_175635.3, NM_175636.2); c.1342T>C (NM_001198679.1).
Identifiers: ClinVar variation 785257 (VCV000785257.6), dbSNP rs145648715, ClinGen allele CA4805945.
Genomic context (GRCh38, chr8:91,986,238, plus strand): 5'-TACTGCCGCCACCTTTTTTTAAGTCCTCGGCGTCACTGTACCGCCGGATCCAGTAATTCA[A>G]TTCTTCCCGGTCTGCTTCTTGACACCGCCTTAGTACGGTGAGAGATCGCCTTGTTTTTTC-3'
Protein context (NP_783552.1, residues 379-399): RRCQEADREE[Leu389=]NYWIRRYSDA

ClinVar aggregate classification (germline): Benign. Review status: criteria provided, single submitter (1 of 4 stars). 2 submissions from 2 submitters: Benign (1). 1 of the submissions does not count toward it. Last evaluated 2018-06-16.

Conditions:
RUNX1T1-related disorder. Also called: RUNX1T1-related condition.

Allele frequency attached by ClinVar (database versions not stated): gnomAD exomes 0.00093; ExAC 0.00097; 1000 Genomes Project 30x 0.00344; 1000 Genomes Project 0.00359; ESP Exome Variant Server 0.00369; gnomAD 0.00393 and 0.00421; TOPMed 0.00435.
gnomAD v4.1: 1,233 of 1,613,966 alleles (0.076%); highest among the groups gnomAD compares: African/African-American, 1.3%; 6 homozygotes.

Submissions (2):

Labcorp Genetics (formerly Invitae), Labcorp
Classification: Benign. Last evaluated: 2018-06-16. Review status: criteria provided, single submitter. Criteria: Invitae Variant Classification Sherloc (09022015). Collection method: clinical testing. Allele origin: germline.

PreventionGenetics, part of Exact Sciences
Classification: Benign for RUNX1T1-related condition. Last evaluated: 2019-06-11. Review status: no assertion criteria provided. Collection method: clinical testing. Allele origin: germline. Not counted in ClinVar's aggregate classification.
Comment: This variant is classified as benign based on ACMG/AMP sequence variant interpretation guidelines (Richards et al. 2015 PMID: 25741868, with internal and published modifications).